The following is an entry in ClinVar:

ClinVar aggregate classification (germline): Uncertain significance. Review status: reviewed by expert panel (3 of 4 stars). 2 submissions from 2 submitters: Uncertain significance (1). 1 of the submissions does not count toward it. Last evaluated 2024-04-16.

Conditions:
Glanzmann thrombasthenia. Also called: THROMBASTHENIA OF GLANZMANN AND NAEGELI; Glanzmann's thrombasthenia; PLATELET GLYCOPROTEIN IIb-IIIa DEFICIENCY; Thrombasthenia. Identifiers: Orphanet 849, MedGen C0040015, MONDO:0100326.

Allele frequency attached by ClinVar (database versions not stated): ExAC 0.00002.

Submissions (3):

ClinGen Platelet Disorders Variant Curation Expert Panel, ClinGen
Classification: Uncertain significance for Glanzmann thrombasthenia. Last evaluated: 2024-04-16. Review status: reviewed by expert panel. Criteria: ClinGen Platelet ACMG Specifications v2-1. Collection method: curation. Allele origin: germline. Inheritance: Autosomal recessive inheritance.
Comment: The NM_000419.5:c.2254C>G variant in ITGA2B is a missense variant predicted to cause substitution of leucine by valine at amino acid 752 (p.Leu752Val). At least one patient (Patient GM in PMID: 12083483) with this variant displayed mucocutaneous bleeding and impaired aggregation with all agonists except ristocetin, which is highly specific for Glanzmann thrombasthenia. Additionally, αIIbβ3 surface expression was reduced to <10% as measured by flow cytometry (PP4_Moderate). Although this variant was reported in homozygosity in two individuals (Patients GM and PV in PMID: 12083483), PM3 was not applied at any level of strength because additional ITGA2B variants were also observed in both individuals (c.1139G>A (p.Gly380Asp) in heterozygosity in GM; c.2264G>C (p.Arg755Pro) in homozygosity in both GM and PV). The variant is absent from gnomADv4.0 (PM2_Supporting). Another missense variant (ITGA2B c.2255T>G (p.Leu752Arg)) in the same codon has been classified as pathogenic for Glanzmann thrombasthenia by the ClinGen Platelet Disorders VCEP (PM5). In summary, this variant meets criteria to be classified as uncertain significance for autosomal recessive Glanzmann Thrombasthenia based on the ACMG/AMP criteria applied, as specified by the ClinGen PD-VCEP: PM2_Supporting, PM5, PP4_Moderate. (VCEP specifications version 2; date of approval 04/16/2024)

Labcorp Genetics (formerly Invitae), Labcorp
Classification: Uncertain significance for Glanzmann thrombasthenia. Last evaluated: 2025-07-29. Review status: criteria provided, single submitter. Criteria: Invitae Variant Classification Sherloc (09022015). Collection method: clinical testing. Allele origin: germline. Not counted in ClinVar's aggregate classification.
Comment: This sequence change replaces leucine, which is neutral and non-polar, with valine, which is neutral and non-polar, at codon 752 of the ITGA2B protein (p.Leu752Val). The frequency data for this variant in the population databases is considered unreliable, as metrics indicate poor data quality at this position in the gnomAD database. This missense change has been observed in individual(s) with Glanzmann thrombasthenia (PMID: 12083483). This variant is also known as L721V. ClinVar contains an entry for this variant (Variation ID: 1879048). Invitae Evidence Modeling of protein sequence and biophysical properties (such as structural, functional, and spatial information, amino acid conservation, physicochemical variation, residue mobility, and thermodynamic stability) indicates that this missense variant is expected to disrupt ITGA2B protein function with a positive predictive value of 95%. Algorithms developed to predict the effect of sequence changes on RNA splicing suggest that this variant may disrupt the consensus splice site. In summary, the available evidence is currently insufficient to determine the role of this variant in disease. Therefore, it has been classified as a Variant of Uncertain Significance.

Dr. Peter K. Rogan Lab, Western University
No classification provided (evidence only). Condition: Cervical cancer. Review status: no classification provided. Collection method: in vitro. Allele origin: not applicable. Functional consequence: skipped exon, retained intron. Not counted in ClinVar's aggregate classification.

Literature cited by the submitters: PubMed 12083483 (cited by Labcorp Genetics (formerly Invitae), Labcorp).

NM_000419.5(ITGA2B):c.2254C>G (p.Leu752Val)

Gene: ITGA2B (integrin subunit alpha 2b; minus strand). Cytogenetic location: 17q21.31.
Variant type: single nucleotide variant.
Coding change: c.2254C>G on transcript NM_000419.5 (MANE Select); coding-DNA position 2254, C replaced by G.
Protein change: p.Leu752Val; replaces leucine 752 with valine.
Molecular consequence: missense variant.
Genome position (GRCh38, 1-based): chr17:44,377,022, G>C on the plus strand (C>G on the coding strand, the complement: ITGA2B is on the minus strand). VCF-style: chr17-44377022-G-C. GRCh37 (hg19) VCF-style: chr17-42454390-G-C.
Other names: NM_000419.5:c.2254C>G; NC_000017.10:g.42454390G>C; short protein forms L752V.
Identifiers: ClinVar variation 1879048 (VCV001879048.4), dbSNP rs761174160, ClinGen allele CA8602773.